The following is an entry in ClinVar:

NM_000642.3(AGL):c.1267C>T (p.His423Tyr)

Gene: AGL (amylo-alpha-1,6-glucosidase and 4-alpha-glucanotransferase; plus strand). Cytogenetic location: 1p21.2.
Variant type: single nucleotide variant.
Coding change: c.1267C>T on transcript NM_000642.3 (MANE Select); coding-DNA position 1267, C replaced by T.
Protein change: p.His423Tyr; replaces histidine 423 with tyrosine.
Molecular consequence: missense variant.
Genome position (GRCh38, 1-based): chr1:99,875,439, C>T. VCF-style: chr1-99875439-C-T. GRCh37 (hg19) VCF-style: chr1-100340995-C-T.
Other names: c.1267C>T, p.His423Tyr (NM_000028.3, NM_000643.3, NM_000644.3 and 2 more transcripts); c.1219C>T, p.His407Tyr (NM_000646.3); c.1063C>T, p.His355Tyr (NM_001425328.1, NM_001425329.1); c.889C>T, p.His297Tyr (NM_001425332.1); short protein forms H407Y, H423Y, H297Y, H355Y.
Identifiers: ClinVar variation 2155472 (VCV002155472.4), dbSNP rs2524602383, ClinGen allele CA341345686.

ClinVar aggregate classification (germline): Uncertain significance (1 of 4 stars; one submission).

Conditions:
Glycogen storage disease type III (GSD3). Also called: FORBES DISEASE; Cori disease. Identifiers: Orphanet 366, MedGen C0017922, MONDO:0009291, OMIM 232400.

Submission:

Labcorp Genetics (formerly Invitae), Labcorp
Classification: Uncertain significance for Glycogen storage disease type III. Last evaluated: 2022-05-27. Review status: criteria provided, single submitter. Criteria: Invitae Variant Classification Sherloc (09022015). Collection method: clinical testing. Allele origin: germline.
Comment: In summary, the available evidence is currently insufficient to determine the role of this variant in disease. Therefore, it has been classified as a Variant of Uncertain Significance. Algorithms developed to predict the effect of sequence changes on RNA splicing suggest that this variant may disrupt the consensus splice site. Algorithms developed to predict the effect of missense changes on protein structure and function output the following: SIFT: "Tolerated"; PolyPhen-2: "Benign"; Align-GVGD: "Class C0". The tyrosine amino acid residue is found in multiple mammalian species, which suggests that this missense change does not adversely affect protein function. This variant has not been reported in the literature in individuals affected with AGL-related conditions. This variant is not present in population databases (gnomAD no frequency). This sequence change replaces histidine, which is basic and polar, with tyrosine, which is neutral and polar, at codon 423 of the AGL protein (p.His423Tyr).